The following is an entry in ClinVar:

ClinVar aggregate classification (germline): Uncertain significance (1 of 4 stars; one submission).

Conditions:
Cardiovascular phenotype. Identifiers: MedGen CN230736.

gnomAD v4.1: 5 of 1,611,530 alleles (0.00031%); highest among the groups gnomAD compares: Non-Finnish European, 0.00042%; no homozygotes.

Submission:

Ambry Genetics
Classification: Uncertain significance for Cardiovascular phenotype. Last evaluated: 2026-08-19. Review status: criteria provided, single submitter. Criteria: Ambry Variant Classification Scheme 2023. Collection method: clinical testing. Allele origin: germline.
Comment: The p.V238A variant (also known as c.713T>C), located in coding exon 8 of the CACNA2D1 gene, results from a T to C substitution at nucleotide position 713. The valine at codon 238 is replaced by alanine, an amino acid with similar properties. This amino acid position is conserved. In addition, the in silico prediction for this alteration is inconclusive. Based on the available evidence, the clinical significance of this variant remains unclear.

NM_000722.4(CACNA2D1):c.713T>C (p.Val238Ala)

Gene: CACNA2D1 (calcium voltage-gated channel auxiliary subunit alpha2delta 1; minus strand). Cytogenetic location: 7q21.11.
Variant type: single nucleotide variant.
Coding change: c.713T>C on transcript NM_000722.4 (MANE Select); coding-DNA position 713, T replaced by C.
Protein change: p.Val238Ala; replaces valine 238 with alanine.
Molecular consequence: missense variant.
Genome position (GRCh38, 1-based): chr7:82,066,470, A>G on the plus strand (T>C on the coding strand, the complement: CACNA2D1 is on the minus strand). VCF-style: chr7-82066470-A-G. GRCh37 (hg19) VCF-style: chr7-81695786-A-G.
Other names: c.713T>C, p.Val238Ala (NM_001302890.2, NM_001366867.1); short protein forms V238A.
Identifiers: ClinVar variation 5033638 (VCV005033638.1).